The following is an entry in ClinVar:

NM_002074.5(GNB1):c.295T>C (p.Trp99Arg)

Gene: GNB1 (G protein subunit beta 1; minus strand). Cytogenetic location: 1p36.33.
Variant type: single nucleotide variant.
Coding change: c.295T>C on transcript NM_002074.5 (MANE Select); coding-DNA position 295, T replaced by C.
Protein change: p.Trp99Arg; replaces tryptophan 99 with arginine.
Molecular consequence: missense variant. On other transcripts: 5 prime UTR variant (1).
Genome position (GRCh38, 1-based): chr1:1,804,554, A>G on the plus strand (T>C on the coding strand, the complement: GNB1 is on the minus strand). VCF-style: chr1-1804554-A-G. GRCh37 (hg19) VCF-style: chr1-1735993-A-G.
Other names: c.-6T>C (NM_001282538.2); c.295T>C, p.Trp99Arg (NM_001282539.2); short protein forms W99R.
Identifiers: ClinVar variation 3369475 (VCV003369475.1).

ClinVar aggregate classification (germline): Uncertain significance (1 of 4 stars; one submission).

Submission:

GeneDx
Classification: Uncertain significance. Last evaluated: 2024-02-21. Review status: criteria provided, single submitter. Criteria: GeneDx Variant Classification Process June 2021. Collection method: clinical testing. Allele origin: germline. Affected: yes.
Comment: Not observed at significant frequency in large population cohorts (gnomAD); In silico analysis supports that this missense variant has a deleterious effect on protein structure/function; Has not been previously published as pathogenic or benign to our knowledge